The following is an entry in ClinVar:

NM_000069.3(CACNA1S):c.4113+7T>C

Gene: CACNA1S (calcium voltage-gated channel subunit alpha1 S; minus strand). Cytogenetic location: 1q32.1.
Variant type: single nucleotide variant.
Coding change: c.4113+7T>C on transcript NM_000069.3 (MANE Select); 7 bases into the intron after coding-DNA position 4113, T replaced by C.
Molecular consequence: intron variant.
Genome position (GRCh38, 1-based): chr1:201,050,977, A>G on the plus strand (T>C on the coding strand, the complement: CACNA1S is on the minus strand). VCF-style: chr1-201050977-A-G. GRCh37 (hg19) VCF-style: chr1-201020105-A-G.
Other names: p.?.
Identifiers: ClinVar variation 199680 (VCV000199680.24), dbSNP rs6702590, ClinGen allele CA004062.

ClinVar aggregate classification (germline): Benign. Review status: criteria provided, multiple submitters, no conflicts (2 of 4 stars). 11 submissions from 11 submitters: Benign (9). 2 of the submissions do not count toward it. Last evaluated 2026-02-04.

Conditions:
Malignant hyperthermia, susceptibility to, 5 (MHS5). Also called: CACNA1S-Related Malignant Hyperthermia Susceptibility. Identifiers: Orphanet 423, MedGen C1866077, MONDO:0011163, OMIM 601887.
Hypokalemic periodic paralysis, type 1. Also called: Hypokalemic Periodic Paralysis Type 1 (AD); HypoPP. Identifiers: Orphanet 681, MedGen C3714580, MONDO:0042979, OMIM 170400.

Allele frequency attached by ClinVar (database versions not stated): 1000 Genomes Project 0.88039; gnomAD exomes 0.69944 and 0.77472; ESP Exome Variant Server 0.75481; ExAC 0.77049; gnomAD 0.77496 and 0.78045; TOPMed 0.78959; 1000 Genomes Project 30x 0.87633.
gnomAD v4.1: 1,142,619 of 1,613,468 alleles (71%); highest among the groups gnomAD compares: East Asian, 98%; 412,372 homozygotes.

Submissions (11):

Labcorp Genetics (formerly Invitae), Labcorp
Classification: Benign for Hypokalemic periodic paralysis, type 1; Malignant hyperthermia, susceptibility to, 5. Last evaluated: 2026-02-04. Review status: criteria provided, single submitter. Criteria: Invitae Variant Classification Sherloc (09022015). Collection method: clinical testing. Allele origin: germline.

Blueprint Genetics
Classification: Benign. Last evaluated: 2024-11-26. Review status: criteria provided, single submitter. Criteria: ACMG Guidelines, 2015. Collection method: clinical testing. Allele origin: germline.

Genome-Nilou Lab
Classification: Benign for Hypokalemic periodic paralysis, type 1. Last evaluated: 2021-07-14. Review status: criteria provided, single submitter. Criteria: ACMG Guidelines, 2015. Collection method: clinical testing. Allele origin: germline. Affected: no.

Illumina Laboratory Services, Illumina
Classification: Benign for Hypokalemic periodic paralysis, type 1. Last evaluated: 2018-01-13. Review status: criteria provided, single submitter. Criteria: ICSL Variant Classification Criteria 13 December 2019. Collection method: clinical testing. Allele origin: germline.
Comment: This variant was observed in the ICSL laboratory as part of a predisposition screen in an ostensibly healthy population. It had not been previously curated by ICSL or reported in the Human Gene Mutation Database (HGMD: prior to June 1st, 2018), and was therefore a candidate for classification through an automated scoring system. Utilizing variant allele frequency, disease prevalence and penetrance estimates, and inheritance mode, an automated score was calculated to assess if this variant is too frequent to cause the disease. Based on the score and internal cut-off values, a variant classified as benign is not then subjected to further curation. The score for this variant resulted in a classification of benign for this disease.

Mayo Clinic Laboratories, Mayo Clinic
Classification: Benign. Last evaluated: 2017-10-05. Review status: criteria provided, single submitter. Criteria: ACMG Guidelines, 2015. Collection method: clinical testing. Allele origin: germline. Observed: 520 variant alleles.

Athena Diagnostics
Classification: Benign. Last evaluated: 2017-07-21. Review status: criteria provided, single submitter. Criteria: Athena Diagnostics Criteria. Collection method: clinical testing. Allele origin: germline.

Women's Health and Genetics/Laboratory Corporation of America, LabCorp
Classification: Benign. Last evaluated: 2016-02-11. Review status: criteria provided, single submitter. Criteria: LabCorp Variant Classification Summary - May 2015. Collection method: clinical testing. Allele origin: germline.
Comment: Variant summary: This c.4113+7T>C variant affects a non-conserved nucleotide, resulting in intronic change. 5/5 in silico tools via Alamut predict this variant not to affect normal splicing. This variant was found in 93542/121404 control chromosomes from ExAC at a frequency of 0.7705018, which is more than 616400 greater than the maximal expected frequency of a pathogenic allele (0.0000013) in this gene. This suggests that this variant is a very common polymorphism. One lab (via ClinVar) has classified this variant as benign. Taken together, this variant has been classified as Benign.

Breakthrough Genomics
Classification: Benign. Review status: criteria provided, single submitter. Criteria: ACMG Guidelines, 2015. Collection method: not provided. Allele origin: germline. Inheritance: Autosomal dominant inheritance. Affected: yes.

PreventionGenetics, part of Exact Sciences
Classification: Benign. Review status: criteria provided, single submitter. Criteria: ACMG Guidelines, 2015. Collection method: clinical testing. Allele origin: germline.

Diagnostic Laboratory, Department of Genetics, University Medical Center Groningen
Classification: Benign. Review status: no assertion criteria provided. Collection method: clinical testing. Allele origin: germline. Affected: yes. Study: VKGL Data-share Consensus. Not counted in ClinVar's aggregate classification.

Joint Genome Diagnostic Labs from Nijmegen and Maastricht, Radboudumc and MUMC+
Classification: Benign. Review status: no assertion criteria provided. Collection method: clinical testing. Allele origin: germline. Affected: yes. Study: VKGL Data-share Consensus. Not counted in ClinVar's aggregate classification.